The following is an entry in ClinVar:

NM_000038.6(APC):c.3957T>G (p.Pro1319=)

Gene: APC (APC regulator of Wnt signaling pathway; plus strand). Cytogenetic location: 5q22.2.
Variant type: single nucleotide variant.
Coding change: c.3957T>G on transcript NM_000038.6 (MANE Select); coding-DNA position 3957, T replaced by G.
Protein change: p.Pro1319=; no amino-acid change (proline 1319 retained).
Molecular consequence: synonymous variant. On other transcripts: non-coding transcript variant (2).
Genome position (GRCh38, 1-based): chr5:112,839,551, T>G. VCF-style: chr5-112839551-T-G. GRCh37 (hg19) VCF-style: chr5-112175248-T-G.
Other names: c.3927T>G, p.Pro1309= (NM_001407452.1); c.3780T>G, p.Pro1260= (NM_001407453.1, NM_001354901.2); c.3708T>G, p.Pro1236= (NM_001407454.1, NM_001407457.1, NM_001407456.1 and 1 more transcripts); c.3654T>G, p.Pro1218= (NM_001407458.1, NM_001354903.2, NM_001407459.1 and 1 more transcripts); c.3684T>G, p.Pro1228= (NM_001354902.2); c.3579T>G, p.Pro1193= (NM_001354904.2); c.3477T>G, p.Pro1159= (NM_001354905.2); c.3108T>G, p.Pro1036= (NM_001354906.2, NM_001407470.1); and 11 more.
Identifiers: ClinVar variation 3148192 (VCV003148192.1), dbSNP rs773123653, ClinGen allele CA445963950.

ClinVar aggregate classification (germline): Benign (1 of 4 stars; one submission).

Conditions:
Familial adenomatous polyposis 1 (FAP1). Also called: POLYPOSIS, ADENOMATOUS INTESTINAL; FAMILIAL ADENOMATOUS POLYPOSIS 1, ATTENUATED. Identifiers: MedGen C2713442, MONDO:0021056, OMIM 175100. Disease mechanism: loss of function.

Submission:

Myriad Genetics, Inc.
Classification: Benign for Familial adenomatous polyposis 1. Last evaluated: 2024-03-25. Review status: criteria provided, single submitter. Criteria: Myriad Autosomal Dominant, Autosomal Recessive and X-Linked Classification Criteria (2023). Collection method: clinical testing. Allele origin: unknown.
Comment: This variant is considered benign. This variant is a silent/synonymous amino acid change and it is not expected to impact splicing.